The following is an entry in ClinVar:

NM_001372.4(DNAH9):c.2497del (p.Arg833fs)

Gene: DNAH9 (dynein axonemal heavy chain 9; plus strand). Cytogenetic location: 17p12.
Variant type: Deletion.
Coding change: c.2497del on transcript NM_001372.4 (MANE Select); coding-DNA position 2497, one base deleted (A; older notation c.2497delA).
Protein change: p.Arg833fs; shifts the reading frame from arginine 833.
Molecular consequence: frameshift variant.
Genome position (GRCh38, 1-based): chr17:11,652,904, A deleted; the last of 5 consecutive A bases (chr17:11,652,900-11,652,904); deleting any one gives the same sequence. VCF-style (leftmost placement, unchanged base first): chr17-11652899-GA-G. GRCh37 (hg19) VCF-style: chr17-11556216-GA-G.
Other names: short protein forms R833fs.
Identifiers: ClinVar variation 1456273 (VCV001456273.6), dbSNP rs1430171224, ClinGen allele CA726073616.
Genomic context (GRCh38, chr17:11,652,899, plus strand): 5'-TGGAAGAGATCCAAAACATCATGAAAACATGGGTGACTCCAATATTTAAGACAAAAGATG[GA>G]AAAAGGGAATCCCTTCTTTCTCTGGATGATCGGCATGATCGAATGGAAAAATATTACAAT-3'

ClinVar aggregate classification (germline): Pathogenic (1 of 4 stars; one submission).

Submission:

Labcorp Genetics (formerly Invitae), Labcorp
Classification: Pathogenic. Last evaluated: 2022-01-11. Review status: criteria provided, single submitter. Criteria: Invitae Variant Classification Sherloc (09022015). Collection method: clinical testing. Allele origin: germline.
Comment: This variant has not been reported in the literature in individuals affected with DNAH9-related conditions. For these reasons, this variant has been classified as Pathogenic. This sequence change creates a premature translational stop signal (p.Arg833Glyfs*60) in the DNAH9 gene. It is expected to result in an absent or disrupted protein product. Loss-of-function variants in DNAH9 are known to be pathogenic (PMID: 30471718). This variant is not present in population databases (gnomAD no frequency).

Literature cited by the submitters: PubMed 30471718.